The following is an entry in ClinVar:

NM_145045.5(ODAD3):c.1129C>T (p.Arg377Trp)

Gene: ODAD3 (outer dynein arm docking complex subunit 3; minus strand). Cytogenetic location: 19p13.2.
Variant type: single nucleotide variant.
Coding change: c.1129C>T on transcript NM_145045.5 (MANE Select); coding-DNA position 1129, C replaced by T.
Protein change: p.Arg377Trp; replaces arginine 377 with tryptophan.
Molecular consequence: missense variant.
Genome position (GRCh38, 1-based): chr19:11,422,849, G>A on the plus strand (C>T on the coding strand, the complement: ODAD3 is on the minus strand). VCF-style: chr19-11422849-G-A. GRCh37 (hg19) VCF-style: chr19-11533517-G-A.
Other names: c.967C>T, p.Arg323Trp (NM_001302453.1); c.949C>T, p.Arg317Trp (NM_001302454.2); short protein forms R377W, R317W, R323W.
Identifiers: ClinVar variation 3668836 (VCV003668836.2).

ClinVar aggregate classification (germline): Uncertain significance (1 of 4 stars; one submission).

Conditions:
Primary ciliary dyskinesia 30. Also called: CILIARY DYSKINESIA, PRIMARY, 30, WITH OR WITHOUT SITUS INVERSUS. Identifiers: Orphanet 244, MedGen C4015016, MONDO:0014465, OMIM 616037.

Submission:

Labcorp Genetics (formerly Invitae), Labcorp
Classification: Uncertain significance for Primary ciliary dyskinesia 30. Last evaluated: 2025-03-31. Review status: criteria provided, single submitter. Criteria: Invitae Variant Classification Sherloc (09022015). Collection method: clinical testing. Allele origin: germline.
Comment: This sequence change replaces arginine, which is basic and polar, with tryptophan, which is neutral and slightly polar, at codon 377 of the CCDC151 protein (p.Arg377Trp). This variant is present in population databases (rs529227957, gnomAD 0.003%). This variant has not been reported in the literature in individuals affected with CCDC151-related conditions. An algorithm developed to predict the effect of missense changes on protein structure and function (PolyPhen-2) suggests that this variant is likely to be disruptive. In summary, the available evidence is currently insufficient to determine the role of this variant in disease. Therefore, it has been classified as a Variant of Uncertain Significance.